The following is an entry in ClinVar:

ClinVar aggregate classification (germline): Benign (1 of 4 stars; one submission).

Conditions:
Inherited breast cancer and ovarian cancer.

Submission:

Cambridge Genomics Laboratory, East Genomic Laboratory Hub, NHS Genomic Medicine Service
Classification: Benign for Inherited breast cancer and ovarian cancer. Last evaluated: 2026-04-17. Review status: criteria provided, single submitter. Criteria: ACGS Best Practice Guidelines for Variant Classification in Rare Disease 2020. Collection method: clinical testing. Allele origin: germline. Affected: yes.
Comment: BS1_Strong,BP4,BP7

NM_024675.4(PALB2):c.2997-205C>T

Gene: PALB2 (partner and localizer of BRCA2; minus strand). Cytogenetic location: 16p12.2.
Variant type: single nucleotide variant.
Coding change: c.2997-205C>T on transcript NM_024675.4 (MANE Select); 205 bases into the intron before coding-DNA position 2997, C replaced by T.
Molecular consequence: intron variant.
Genome position (GRCh38, 1-based): chr16:23,621,683, G>A on the plus strand (C>T on the coding strand, the complement: PALB2 is on the minus strand). VCF-style: chr16-23621683-G-A. GRCh37 (hg19) VCF-style: chr16-23633004-G-A.
Other names: c.2112-205C>T (NM_001407308.1, NM_001407306.1, NM_001407309.1 and 4 more transcripts); c.531-205C>T (NM_001407314.1); c.1209-205C>T (NM_001407313.1, NM_001407312.1); c.2937-205C>T (NM_001407296.1); c.2925-205C>T (NM_001407297.1); c.2835-205C>T (NM_001407302.1, NM_001407298.1); c.2834+2326C>T (NM_001407300.1); c.2997-205C>T (NM_001407299.1, NM_001407301.1); and 1 more.
Identifiers: ClinVar variation 4850679 (VCV004850679.1).
Genomic context (GRCh38, chr16:23,621,683, plus strand): 5'-TTTCTACAATGAACATATATTACTTTCATAATATCTACCTAGATATGCTGCAAGCACCTC[G>A]AATTCATTATATTCAAAATTAAACTTGTTAACTTTTTCTATAAACCTTTTGTTTCTTTCT-3'